The following is an entry in ClinVar:

ClinVar aggregate classification (germline): Uncertain significance (1 of 4 stars; one submission).

Conditions:
Asphyxiating thoracic dystrophy 5 (SRTD5). Also called: SHORT-RIB THORACIC DYSPLASIA 5 WITH OR WITHOUT POLYDACTYLY; SHORT-RIB THORACIC DYSPLASIA 5 WITHOUT POLYDACTYLY. Identifiers: Orphanet 474, MedGen C3280598, MONDO:0013717, OMIM 614376.
Senior-Loken syndrome 8 (SLSN8). Identifiers: Orphanet 3156, MedGen C4225376, MONDO:0014579, OMIM 616307.

Allele frequency attached by ClinVar (database versions not stated): gnomAD exomes below 0.00001.
gnomAD v4.1: 1 of 1,596,058 alleles (0.000063%); highest among the groups gnomAD compares: Non-Finnish European, 0.000085%; no homozygotes.

Submission:

Labcorp Genetics (formerly Invitae), Labcorp
Classification: Uncertain significance for Senior-Loken syndrome 8; Asphyxiating thoracic dystrophy 5. Last evaluated: 2022-09-13. Review status: criteria provided, single submitter. Criteria: Invitae Variant Classification Sherloc (09022015). Collection method: clinical testing. Allele origin: germline.
Comment: This sequence change replaces phenylalanine, which is neutral and non-polar, with leucine, which is neutral and non-polar, at codon 960 of the WDR19 protein (p.Phe960Leu). This variant is present in population databases (no rsID available, gnomAD 0.0009%). This variant has not been reported in the literature in individuals affected with WDR19-related conditions. ClinVar contains an entry for this variant (Variation ID: 1351800). Advanced modeling of protein sequence and biophysical properties (such as structural, functional, and spatial information, amino acid conservation, physicochemical variation, residue mobility, and thermodynamic stability) performed at Invitae indicates that this missense variant is not expected to disrupt WDR19 protein function. In summary, the available evidence is currently insufficient to determine the role of this variant in disease. Therefore, it has been classified as a Variant of Uncertain Significance.

NM_025132.4(WDR19):c.2880T>G (p.Phe960Leu)

Gene: WDR19 (WD repeat domain 19; plus strand). Cytogenetic location: 4p14.
Variant type: single nucleotide variant.
Coding change: c.2880T>G on transcript NM_025132.4 (MANE Select); coding-DNA position 2880, T replaced by G.
Protein change: p.Phe960Leu; replaces phenylalanine 960 with leucine.
Molecular consequence: missense variant.
Genome position (GRCh38, 1-based): chr4:39,253,909, T>G. VCF-style: chr4-39253909-T-G. GRCh37 (hg19) VCF-style: chr4-39255529-T-G.
Other names: c.2400T>G, p.Phe800Leu (NM_001317924.2); short protein forms F960L, F800L.
Identifiers: ClinVar variation 1351800 (VCV001351800.8), dbSNP rs1171033092, ClinGen allele CA356641721.
Genomic context (GRCh38, chr4:39,253,909, plus strand): 5'-TTTTGTAAATCACAAATTTATATTAAGAGTCTAGCTAATTAAAGTACTTTGCTTTAGGTT[T>G]TTTCTACAGCTTGGTGACTATGGGTCTGCCATCCAGTTTCTTGTCATGTCCAAATGCAAC-3'
Protein context (NP_079408.3, residues 950-970): SLDGAKMVAR[Phe960Leu]FLQLGDYGSA